The following is an entry in ClinVar:

NM_001356.5(DDX3X):c.1177G>C (p.Ala393Pro)

Gene: DDX3X (DEAD-box helicase 3 X-linked; plus strand). Cytogenetic location: Xp11.4.
Variant type: single nucleotide variant.
Coding change: c.1177G>C on transcript NM_001356.5 (MANE Select); coding-DNA position 1177, G replaced by C.
Protein change: p.Ala393Pro; replaces alanine 393 with proline.
Molecular consequence: missense variant. On other transcripts: non-coding transcript variant (1).
Genome position (GRCh38, 1-based): chrX:41,345,410, G>C. VCF-style: chrX-41345410-G-C. GRCh37 (hg19) VCF-style: chrX-41204663-G-C.
Other names: c.1177G>C, p.Ala393Pro (NM_001193416.3); c.1129G>C, p.Ala377Pro (NM_001193417.3); c.619G>C, p.Ala207Pro (NM_001363819.1); short protein forms A207P, A377P, A393P.
Identifiers: ClinVar variation 2572467 (VCV002572467.1), dbSNP rs2519519238, ClinGen allele CA412771615.

ClinVar aggregate classification (germline): Likely pathogenic (1 of 4 stars; one submission).

Conditions:
Intellectual disability, X-linked 102 (MRXSSB). Also called: Intellectual developmental disorder, X-linked syndromic, Snijders Blok type. Identifiers: Orphanet 457260, MedGen C5393299, MONDO:0010497, OMIM 300958.

Submission:

3billion
Classification: Likely pathogenic for Intellectual disability, X-linked 102. Review status: criteria provided, single submitter. Criteria: ACMG Guidelines, 2015. Collection method: clinical testing. Allele origin: unknown. Affected: yes. Observed: 1 heterozygote.
Comment: The variant is not observed in the gnomAD v2.1.1 dataset. Missense changes are a common disease-causing mechanism. In silico tool predictions suggest damaging effect of the variant on gene or gene product (REVEL: 0.66; 3Cnet: 0.97). Same nucleotide change resulting in same amino acid change has been previously reported to be associated with DDX3X related disorder, and reported as de novo in a similarly affected individual (PMID: 31785789). However, the evidence of pathogenicity is insufficient at this time. Therefore, this variant is classified as Likely pathogenic according to the recommendation of ACMG/AMP guideline.

Literature cited by the submitters: PubMed 31785789.